The following is an entry in ClinVar:

ClinVar aggregate classification (germline): Uncertain significance (1 of 4 stars; one submission).

Conditions:
EPILEPSY, CHILDHOOD ABSENCE, SUSCEPTIBILITY TO, 2 (ECA2). Identifiers: Orphanet 64280, MedGen C1843244, OMIM 607681.
Febrile seizures, familial, 8 (FEB8). Also called: CONVULSIONS, FAMILIAL FEBRILE, 8. Identifiers: Orphanet 36387, MedGen C1969810, MONDO:0011891, OMIM 607681.

Submission:

Labcorp Genetics (formerly Invitae), Labcorp
Classification: Uncertain significance for Febrile seizures, familial, 8; EPILEPSY, CHILDHOOD ABSENCE, SUSCEPTIBILITY TO, 2. Last evaluated: 2023-05-03. Review status: criteria provided, single submitter. Criteria: Invitae Variant Classification Sherloc (09022015). Collection method: clinical testing. Allele origin: germline.
Comment: Advanced modeling of protein sequence and biophysical properties (such as structural, functional, and spatial information, amino acid conservation, physicochemical variation, residue mobility, and thermodynamic stability) has been performed at Invitae for this missense variant, however the output from this modeling did not meet the statistical confidence thresholds required to predict the impact of this variant on GABRG2 protein function. This variant has not been reported in the literature in individuals affected with GABRG2-related conditions. This variant is not present in population databases (gnomAD no frequency). This sequence change replaces isoleucine, which is neutral and non-polar, with valine, which is neutral and non-polar, at codon 434 of the GABRG2 protein (p.Ile434Val). In summary, the available evidence is currently insufficient to determine the role of this variant in disease. Therefore, it has been classified as a Variant of Uncertain Significance.

NM_198904.4(GABRG2):c.1324A>G (p.Ile442Val)

Gene: GABRG2 (gamma-aminobutyric acid type A receptor subunit gamma2; plus strand). Cytogenetic location: 5q34.
Variant type: single nucleotide variant.
Coding change: c.1324A>G on transcript NM_198904.4 (MANE Select); coding-DNA position 1324, A replaced by G.
Protein change: p.Ile442Val; replaces isoleucine 442 with valine.
Molecular consequence: missense variant. On other transcripts: 3 prime UTR variant (1).
Genome position (GRCh38, 1-based): chr5:162,153,264, A>G. VCF-style: chr5-162153264-A-G. GRCh37 (hg19) VCF-style: chr5-161580270-A-G.
Other names: c.1300A>G, p.Ile434Val (NM_000816.3); c.1315A>G, p.Ile439Val (NM_001375339.1); c.*158A>G (NM_001375340.1); c.1321A>G, p.Ile441Val (NM_001375341.1); c.1297A>G, p.Ile433Val (NM_001375342.1); c.1420A>G, p.Ile474Val (NM_001375343.1); c.1363A>G, p.Ile455Val (NM_001375344.1); c.1234A>G, p.Ile412Val (NM_001375345.1); and 6 more; short protein forms I294V, I302V, I339V, I434V, I442V, I441V, I412V, I413V.
Identifiers: ClinVar variation 2947447 (VCV002947447.3), dbSNP rs2532775484, ClinGen allele CA362183816.
Genomic context (GRCh38, chr5:162,153,264, plus strand): 5'-TGTGCCAGTTTTTTCTGCTGTTTTGAAGATTGTCGAACAGGAGCTTGGAGACATGGGAGG[A>G]TACATATCCGCATTGCCAAAATGGACTCCTATGCTCGGATCTTCTTCCCCACTGCCTTCT-3'
Protein context (NP_944494.1, residues 432-452): CRTGAWRHGR[Ile442Val]HIRIAKMDSY